The following is an entry in ClinVar:

ClinVar aggregate classification (germline): Uncertain significance. Review status: criteria provided, multiple submitters, no conflicts (2 of 4 stars). 3 submissions from 3 submitters: Uncertain significance (3). Last evaluated 2024-11-29.

Conditions:
Autosomal dominant limb-girdle muscular dystrophy type 1D (DNAJB6) (LGMDD1). Also called: MUSCULAR DYSTROPHY, LIMB-GIRDLE, TYPE 1D; MUSCULAR DYSTROPHY, AUTOSOMAL DOMINANT, WITH RIMMED VACUOLES; Autosomal dominant limb-girdle muscular dystrophy type 1D; Muscular dystrophy, limb-girdle, autosomal dominant 1. Identifiers: Orphanet 34516, MedGen C4721885, MONDO:0021018, OMIM 603511.

Allele frequency attached by ClinVar (database versions not stated): gnomAD exomes 0.00001 and 0.00003; gnomAD 0.00002; TOPMed 0.00002.

Submissions (3):

Labcorp Genetics (formerly Invitae), Labcorp
Classification: Uncertain significance for Autosomal dominant limb-girdle muscular dystrophy type 1D (DNAJB6). Last evaluated: 2024-11-29. Review status: criteria provided, single submitter. Criteria: Invitae Variant Classification Sherloc (09022015). Collection method: clinical testing. Allele origin: germline.
Comment: This sequence change replaces glutamic acid, which is acidic and polar, with lysine, which is basic and polar, at codon 241 of the DNAJB6 protein (p.Glu241Lys). This variant is present in population databases (no rsID available, gnomAD 0.002%). This missense change has been observed in individual(s) with clinical suspicion of limb-girdle muscular dystrophy (PMID: 30564623). ClinVar contains an entry for this variant (Variation ID: 288191). Invitae Evidence Modeling of protein sequence and biophysical properties (such as structural, functional, and spatial information, amino acid conservation, physicochemical variation, residue mobility, and thermodynamic stability) indicates that this missense variant is not expected to disrupt DNAJB6 protein function with a negative predictive value of 80%. In summary, the available evidence is currently insufficient to determine the role of this variant in disease. Therefore, it has been classified as a Variant of Uncertain Significance.

Revvity Omics, Revvity
Classification: Uncertain significance for Autosomal dominant limb-girdle muscular dystrophy type 1D (DNAJB6). Last evaluated: 2019-07-28. Review status: criteria provided, single submitter. Criteria: ACMG Guidelines, 2015. Collection method: clinical testing. Allele origin: germline.

Eurofins Ntd Llc (ga)
Classification: Uncertain significance. Last evaluated: 2016-06-13. Review status: criteria provided, single submitter. Criteria: EGL Classification Definitions 2015. Collection method: clinical testing. Allele origin: germline. Observed: 1 variant allele, 1 heterozygote.

Literature cited by the submitters: PubMed 30564623 (cited by Labcorp Genetics (formerly Invitae), Labcorp).

NM_058246.4(DNAJB6):c.721G>A (p.Glu241Lys)

Gene: DNAJB6 (DnaJ heat shock protein family (Hsp40) member B6; plus strand). Cytogenetic location: 7q36.3.
Variant type: single nucleotide variant.
Coding change: c.721G>A on transcript NM_058246.4 (MANE Select); coding-DNA position 721, G replaced by A.
Protein change: p.Glu241Lys; replaces glutamic acid 241 with lysine.
Molecular consequence: missense variant.
Genome position (GRCh38, 1-based): chr7:157,409,824, G>A. VCF-style: chr7-157409824-G-A. GRCh37 (hg19) VCF-style: chr7-157202518-G-A.
Other names: c.376G>A, p.Glu126Lys (NM_001363676.1); short protein forms E241K, E126K.
Identifiers: ClinVar variation 288191 (VCV000288191.17), dbSNP rs886043824, ClinGen allele CA10605997.